The following is an entry in ClinVar:

NM_024513.4(FYCO1):c.2345del (p.Gln782fs)

Gene: FYCO1 (FYVE and coiled-coil domain autophagy adaptor 1; minus strand). Cytogenetic location: 3p21.31.
Variant type: Deletion.
Coding change: c.2345del on transcript NM_024513.4 (MANE Select); coding-DNA position 2345, one base deleted (A; older notation c.2345delA).
Protein change: p.Gln782fs; shifts the reading frame from glutamine 782.
Molecular consequence: frameshift variant. On other transcripts: non-coding transcript variant (1).
Genome position (GRCh38, 1-based): chr3:45,966,989, T deleted on the plus strand (A on the coding strand, the reverse complement: FYCO1 is on the minus strand). VCF-style (leftmost placement, unchanged base first): chr3-45966988-CT-C. GRCh37 (hg19) VCF-style: chr3-46008480-CT-C.
Other names: c.2345del, p.Gln782fs (NM_001386421.1, NM_001386422.1, NM_001386423.1 and 4 more transcripts); c.2225del, p.Gln742fs (NM_001386426.1); c.2201del, p.Gln734fs (NM_001386427.1); c.1745del, p.Gln582fs (NM_001386430.1); short protein forms Q582fs, Q742fs, Q734fs, Q782fs.
Identifiers: ClinVar variation 2203348 (VCV002203348.4), dbSNP rs775542878, ClinGen allele CA2353064.
Genomic context (GRCh38, chr3:45,966,988, plus strand): 5'-GGCTGCCCGCATCTTGGCCTGGAGGTCCACCACCTGAGCCTGCAGCCGTTGGACCTCCCC[CT>C]GATGGACTTCCAGCTGCGCCTGAGACAGGGCTAGCTGGGCAGCCAGCTCACGGGCTTCAT-3'

ClinVar aggregate classification (germline): Pathogenic (1 of 4 stars; one submission).

Conditions:
Cataract 18 (CATC2). Also called: CATARACT 18, AUTOSOMAL RECESSIVE. Identifiers: Orphanet 91492, Orphanet 98991, Orphanet 98992, Orphanet 98995, MedGen C1864908, MONDO:0012395, OMIM 610019.

Allele frequency attached by ClinVar (database versions not stated): TOPMed below 0.00001; gnomAD exomes 0.00001; ExAC 0.00002.

Submission:

Labcorp Genetics (formerly Invitae), Labcorp
Classification: Pathogenic for Cataract 18. Last evaluated: 2024-10-24. Review status: criteria provided, single submitter. Criteria: Invitae Variant Classification Sherloc (09022015). Collection method: clinical testing. Allele origin: germline.
Comment: This sequence change creates a premature translational stop signal (p.Gln782Argfs*32) in the FYCO1 gene. It is expected to result in an absent or disrupted protein product. Loss-of-function variants in FYCO1 are known to be pathogenic (PMID: 21636066). This variant is present in population databases (rs775542878, gnomAD 0.002%). This premature translational stop signal has been observed in individual(s) with congenital cataracts (PMID: 27878435, 28418495). ClinVar contains an entry for this variant (Variation ID: 2203348). For these reasons, this variant has been classified as Pathogenic.

Literature cited by the submitters: PubMed 21636066; PubMed 27878435; PubMed 28418495.